The following is an entry in ClinVar:

ClinVar aggregate classification (germline): Benign. Review status: criteria provided, multiple submitters, no conflicts (2 of 4 stars). 3 submissions from 3 submitters: Benign (2). 1 of the submissions does not count toward it. Last evaluated 2026-01-19.

Conditions:
FBN3-related disorder. Also called: FBN3-related condition.

Allele frequency attached by ClinVar (database versions not stated): gnomAD exomes 0.00018 and 0.00042; ExAC 0.00092; ESP Exome Variant Server 0.00155; 1000 Genomes Project 30x 0.00172; TOPMed 0.00243; gnomAD 0.00204 and 0.00220; 1000 Genomes Project 0.00220.
gnomAD v4.1: 596 of 1,586,986 alleles (0.038%); highest among the groups gnomAD compares: African/African-American, 0.7%; 1 homozygote.

Submissions (3):

Labcorp Genetics (formerly Invitae), Labcorp
Classification: Benign. Last evaluated: 2026-01-19. Review status: criteria provided, single submitter. Criteria: Invitae Variant Classification Sherloc (09022015). Collection method: clinical testing. Allele origin: germline.

Breakthrough Genomics
Classification: Benign. Review status: criteria provided, single submitter. Criteria: ACMG Guidelines, 2015. Collection method: not provided. Allele origin: germline. Inheritance: Unknown mechanism. Affected: yes.

PreventionGenetics, part of Exact Sciences
Classification: Likely benign for FBN3-related condition. Last evaluated: 2019-12-05. Review status: no assertion criteria provided. Collection method: clinical testing. Allele origin: germline. Not counted in ClinVar's aggregate classification.
Comment: This variant is classified as likely benign based on ACMG/AMP sequence variant interpretation guidelines (Richards et al. 2015 PMID: 25741868, with internal and published modifications).

NM_032447.5(FBN3):c.6978T>C (p.Cys2326=)

Gene: FBN3 (fibrillin 3; minus strand). Cytogenetic location: 19p13.2.
Variant type: single nucleotide variant.
Coding change: c.6978T>C on transcript NM_032447.5 (MANE Select); coding-DNA position 6978, T replaced by C.
Protein change: p.Cys2326=; no amino-acid change (cysteine 2326 retained).
Molecular consequence: synonymous variant.
Genome position (GRCh38, 1-based): chr19:8,085,472, A>G on the plus strand (T>C on the coding strand, the complement: FBN3 is on the minus strand). VCF-style: chr19-8085472-A-G. GRCh37 (hg19) VCF-style: chr19-8150356-A-G.
Other names: c.6978T>C, p.Cys2326= (NM_001321431.2); c.6978T>C (NM_001321431.1).
Identifiers: ClinVar variation 1601654 (VCV001601654.11), dbSNP rs112806081, ClinGen allele CA9151036.